The following is an entry in ClinVar:

ClinVar aggregate classification (germline): Pathogenic (1 of 4 stars; one submission).

Conditions:
Anauxetic dysplasia. Identifiers: Orphanet 93347, MedGen C1846796, MONDO:0011773.

Submission:

Labcorp Genetics (formerly Invitae), Labcorp
Classification: Pathogenic for Anauxetic dysplasia. Last evaluated: 2020-12-06. Review status: criteria provided, single submitter. Criteria: Invitae Variant Classification Sherloc (09022015). Collection method: clinical testing. Allele origin: germline.
Comment: The frequency data for this variant in the population databases is considered unreliable, as metrics indicate insufficient coverage at this position in the ExAC database. This variant occurs in the RMRP gene, which encodes an RNA molecule that does not result in a protein product. While this particular variant has not been reported in the literature, it is located in the promoter region between the TATA box and the transcription initiation site, and other insertions and duplications immediately upstream of the coding sequence have been reported in individuals affected with cartilage-hair hypoplasia-anauxetic dysplasia (CHH-AD) spectrum disorders (PMID: 16244706, 11207361, 12107819). For these reasons, this variant has been classified as Pathogenic. While functional studies for this variant have not been reported, experimental analyses using patient derived cells, as well as in vitro transfection studies, have shown that promoter insertions result in silencing of RMRP transcription and reduced expression of the gene product (PMID: 11207361, 16254002).

Literature cited by the submitters: PubMed 16244706; PubMed 11207361; PubMed 12107819; PubMed 16254002.

NC_000009.12:g.35658034_35658048dup

Gene: RMRP (RNA component of mitochondrial RNA processing endoribonuclease; minus strand). Cytogenetic location: 9p13.3.
Variant type: Duplication.
Genome position: GRCh38 VCF-style: chr9-35658032-C-CACAGAGTAGTATTTT. GRCh37 (hg19) VCF-style: chr9-35658029-C-CACAGAGTAGTATTTT.
Identifiers: ClinVar variation 1364444 (VCV001364444.8), dbSNP rs2131810269, ClinGen allele CA2573144660.